The following is an entry in ClinVar:

ClinVar aggregate classification (germline): Uncertain significance (1 of 4 stars; one submission).

Conditions:
Multiple congenital anomalies-hypotonia-seizures syndrome 1 (MCAHS1). Also called: PIGN-CDG; Congenital disorder of glycosylation due to PIGN deficiency; GLYCOSYLPHOSPHATIDYLINOSITOL BIOSYNTHESIS DEFECT 3. Identifiers: Orphanet 280633, MedGen C3279775, MONDO:0013563, OMIM 614080.

Allele frequency attached by ClinVar (database versions not stated): gnomAD exomes below 0.00001; gnomAD 0.00001; TOPMed 0.00001.
gnomAD v4.1: 2 of 1,609,914 alleles (0.00012%); highest among the groups gnomAD compares: Admixed American, 0.0033%; no homozygotes.

Submission:

Labcorp Genetics (formerly Invitae), Labcorp
Classification: Uncertain significance for Multiple congenital anomalies-hypotonia-seizures syndrome 1. Last evaluated: 2024-01-02. Review status: criteria provided, single submitter. Criteria: Invitae Variant Classification Sherloc (09022015). Collection method: clinical testing. Allele origin: germline.
Comment: This sequence change replaces valine, which is neutral and non-polar, with glycine, which is neutral and non-polar, at codon 698 of the PIGN protein (p.Val698Gly). This variant is present in population databases (no rsID available, gnomAD 0.003%). This variant has not been reported in the literature in individuals affected with PIGN-related conditions. ClinVar contains an entry for this variant (Variation ID: 2196724). Advanced modeling of protein sequence and biophysical properties (such as structural, functional, and spatial information, amino acid conservation, physicochemical variation, residue mobility, and thermodynamic stability) performed at Invitae indicates that this missense variant is expected to disrupt PIGN protein function with a positive predictive value of 80%. In summary, the available evidence is currently insufficient to determine the role of this variant in disease. Therefore, it has been classified as a Variant of Uncertain Significance.

NM_176787.5(PIGN):c.2093T>G (p.Val698Gly)

Gene: PIGN (phosphatidylinositol glycan anchor biosynthesis class N; minus strand). Cytogenetic location: 18q21.33.
Variant type: single nucleotide variant.
Coding change: c.2093T>G on transcript NM_176787.5 (MANE Select); coding-DNA position 2093, T replaced by G.
Protein change: p.Val698Gly; replaces valine 698 with glycine.
Molecular consequence: missense variant.
Genome position (GRCh38, 1-based): chr18:62,095,935, A>C on the plus strand (T>G on the coding strand, the complement: PIGN is on the minus strand). VCF-style: chr18-62095935-A-C. GRCh37 (hg19) VCF-style: chr18-59763168-A-C.
Other names: c.2093T>G, p.Val698Gly (NM_012327.6); short protein forms V698G.
Identifiers: ClinVar variation 2196724 (VCV002196724.3), dbSNP rs1465504599, ClinGen allele CA402603130.
Genomic context (GRCh38, chr18:62,095,935, plus strand): 5'-ATCAATGAAAGAAGTATGCTGAACAATCGCTGAAAGAGAACTGGAGAACTCAGTAGTGGC[A>C]CAACCAAGGAAGAGGCTGCAATGAAACAGAACAGGTCATCTGTCAGTATAAGAGACACAA-3'
Protein context (NP_789744.1, residues 688-708): SWATLASSLV[Val698Gly]PLLSSPVLFQ